The following is an entry in ClinVar:

NM_001130144.3(LTBP3):c.3002G>A (p.Gly1001Glu)

Genes: LTBP3 (latent transforming growth factor beta binding protein 3; minus strand), LOC121832793 (Sharpr-MPRA regulatory region 4001; plus strand). Cytogenetic location: 11q13.1.
Variant type: single nucleotide variant.
Coding change: c.3002G>A on transcript NM_001130144.3 (MANE Select); coding-DNA position 3002, G replaced by A.
Protein change: p.Gly1001Glu; replaces glycine 1001 with glutamic acid.
Molecular consequence: missense variant.
Genome position (GRCh38, 1-based): chr11:65,540,590, C>T on the plus strand (G>A on the coding strand, the complement: LTBP3 is on the minus strand). VCF-style: chr11-65540590-C-T. GRCh37 (hg19) VCF-style: chr11-65308061-C-T.
Other names: c.2651G>A, p.Gly884Glu (NM_001164266.1); c.3002G>A, p.Gly1001Glu (NM_021070.4); short protein forms G1001E, G884E.
Identifiers: ClinVar variation 3868979 (VCV003868979.1).

ClinVar aggregate classification (germline): Uncertain significance (1 of 4 stars; one submission).

Conditions:
Inborn genetic diseases. Identifiers: MedGen C0950123, MeSH D030342.

Submission:

Ambry Genetics
Classification: Uncertain significance for Inborn genetic diseases. Last evaluated: 2025-02-15. Review status: criteria provided, single submitter. Criteria: Ambry Variant Classification Scheme 2023. Collection method: clinical testing. Allele origin: germline.
Comment: The p.G1001E variant (also known as c.3002G>A), located in coding exon 22 of the LTBP3 gene, results from a G to A substitution at nucleotide position 3002. The glycine at codon 1001 is replaced by glutamic acid, an amino acid with similar properties. This amino acid position is conserved. In addition, the in silico prediction for this alteration is inconclusive. Based on the available evidence, the clinical significance of this variant remains unclear.